The following is an entry in ClinVar:

NM_024408.4(NOTCH2):c.4488C>G (p.Cys1496Trp)

Gene: NOTCH2 (notch receptor 2; minus strand). Cytogenetic location: 1p12.
Variant type: single nucleotide variant.
Coding change: c.4488C>G on transcript NM_024408.4 (MANE Select); coding-DNA position 4488, C replaced by G.
Protein change: p.Cys1496Trp; replaces cysteine 1496 with tryptophan.
Molecular consequence: missense variant.
Genome position (GRCh38, 1-based): chr1:119,925,328, G>C on the plus strand (C>G on the coding strand, the complement: NOTCH2 is on the minus strand). VCF-style: chr1-119925328-G-C. GRCh37 (hg19) VCF-style: chr1-120467951-G-C.
Other names: short protein forms C1496W.
Identifiers: ClinVar variation 3663913 (VCV003663913.2).

ClinVar aggregate classification (germline): Uncertain significance (1 of 4 stars; one submission).

Conditions:
Hajdu-Cheney syndrome (HJCYS). Also called: ACROOSTEOLYSIS WITH OSTEOPOROSIS AND CHANGES IN SKULL AND MANDIBLE; Acroosteolysis dominant type; SERPENTINE FIBULA-POLYCYSTIC KIDNEY SYNDROME. Identifiers: Orphanet 955, MedGen C0917715, MONDO:0007057, OMIM 102500.

Submission:

Labcorp Genetics (formerly Invitae), Labcorp
Classification: Uncertain significance for Hajdu-Cheney syndrome. Last evaluated: 2026-01-05. Review status: criteria provided, single submitter. Criteria: Invitae Variant Classification Sherloc (09022015). Collection method: clinical testing. Allele origin: germline.
Comment: This sequence change replaces cysteine, which is neutral and slightly polar, with tryptophan, which is neutral and slightly polar, at codon 1496 of the NOTCH2 protein (p.Cys1496Trp). This variant is not present in population databases (gnomAD no frequency). This variant has not been reported in the literature in individuals affected with NOTCH2-related conditions. ClinVar contains an entry for this variant (Variation ID: 3663913). Invitae Evidence Modeling of protein sequence and biophysical properties (such as structural, functional, and spatial information, amino acid conservation, physicochemical variation, residue mobility, and thermodynamic stability) indicates that this missense variant is expected to disrupt NOTCH2 protein function with a positive predictive value of 80%. In summary, the available evidence is currently insufficient to determine the role of this variant in disease. Therefore, it has been classified as a Variant of Uncertain Significance.